The following is an entry in ClinVar:

NM_002878.4(RAD51D):c.576+2T>C

Genes: RAD51D (RAD51 paralog D; minus strand), RAD51L3-RFFL (RAD51L3-RFFL readthrough; minus strand). Cytogenetic location: 17q12.
Variant type: single nucleotide variant.
Coding change: c.576+2T>C on transcript NM_002878.4 (MANE Select); the canonical splice donor site of the intron after coding-DNA position 576, T replaced by C.
Molecular consequence: splice donor variant.
Genome position (GRCh38, 1-based): chr17:35,106,384, A>G on the plus strand (T>C on the coding strand, the complement: RAD51D is on the minus strand). VCF-style: chr17-35106384-A-G. GRCh37 (hg19) VCF-style: chr17-33433403-A-G.
Other names: c.240+2T>C (NM_133629.3); c.636+2T>C (NM_001142571.2).
Identifiers: ClinVar variation 1472197 (VCV001472197.8), dbSNP rs2142428757, ClinGen allele CA399088486.

ClinVar aggregate classification (germline): Pathogenic (1 of 4 stars; one submission).

Conditions:
Breast-ovarian cancer, familial, susceptibility to, 4. Identifiers: Orphanet 145, MedGen C3280345, MONDO:0013669, OMIM 614291.

Submission:

Labcorp Genetics (formerly Invitae), Labcorp
Classification: Pathogenic for Breast-ovarian cancer, familial, susceptibility to, 4. Last evaluated: 2022-10-28. Review status: criteria provided, single submitter. Criteria: Invitae Variant Classification Sherloc (09022015). Collection method: clinical testing. Allele origin: germline.
Comment: For these reasons, this variant has been classified as Pathogenic. Algorithms developed to predict the effect of sequence changes on RNA splicing suggest that this variant may disrupt the consensus splice site. ClinVar contains an entry for this variant (Variation ID: 1472197). Disruption of this splice site has been observed in individual(s) with breast and/or ovarian cancer (PMID: 22652533, 26261251, 30927251). It has also been observed to segregate with disease in related individuals. This variant is not present in population databases (gnomAD no frequency). This sequence change affects a donor splice site in intron 6 of the RAD51D gene. It is expected to disrupt RNA splicing. Variants that disrupt the donor or acceptor splice site typically lead to a loss of protein function (PMID: 16199547), and loss-of-function variants in RAD51D are known to be pathogenic (PMID: 21822267).

Literature cited by the submitters: PubMed 22652533; PubMed 26261251; PubMed 30927251; PubMed 16199547; PubMed 21822267.